The following is an entry in ClinVar:

NM_017636.4(TRPM4):c.3601C>G (p.Pro1201Ala)

Gene: TRPM4 (transient receptor potential cation channel subfamily M member 4; plus strand). Cytogenetic location: 19q13.33.
Variant type: single nucleotide variant.
Coding change: c.3601C>G on transcript NM_017636.4 (MANE Select); coding-DNA position 3601, C replaced by G.
Protein change: p.Pro1201Ala; replaces proline 1201 with alanine.
Molecular consequence: missense variant.
Genome position (GRCh38, 1-based): chr19:49,211,230, C>G. VCF-style: chr19-49211230-C-G. GRCh37 (hg19) VCF-style: chr19-49714487-C-G.
Other names: c.3079C>G, p.Pro1027Ala (NM_001321283.2); c.2539C>G, p.Pro847Ala (NM_001321285.2); c.3166C>G, p.Pro1056Ala (NM_001195227.2); c.3256C>G, p.Pro1086Ala (NM_001321281.2); c.1993C>G, p.Pro665Ala (NM_001321282.2); short protein forms P665A, P1027A, P1056A, P1086A, P847A, P1201A.
Identifiers: ClinVar variation 3696794 (VCV003696794.2).
Genomic context (GRCh38, chr19:49,211,230, plus strand): 5'-CAGTGTAGCCGCGTCCTGGGGTGGGTGGCCGAGGCCCTGAGCCGCTCTGCCTTGCTGCCC[C>G]CAGGTGGGCCGCCACCCCCTGACCTGCCTGGGTCCAAAGGTCAGTGTGTAGCATCAGCCT-3'
Protein context (NP_060106.2, residues 1191-1211): EALSRSALLP[Pro1201Ala]GGPPPPDLPG

ClinVar aggregate classification (germline): Uncertain significance (1 of 4 stars; one submission).

Conditions:
Progressive familial heart block type IB (PFHB1B). Identifiers: Orphanet 871, MedGen C1970298, MONDO:0011474, OMIM 604559.

gnomAD v4.1: 8 of 1,592,816 alleles (0.0005%); highest among the groups gnomAD compares: South Asian, 0.0068%; no homozygotes.

Submission:

Labcorp Genetics (formerly Invitae), Labcorp
Classification: Uncertain significance for Progressive familial heart block type IB. Last evaluated: 2024-11-05. Review status: criteria provided, single submitter. Criteria: Invitae Variant Classification Sherloc (09022015). Collection method: clinical testing. Allele origin: germline.
Comment: This sequence change replaces proline, which is neutral and non-polar, with alanine, which is neutral and non-polar, at codon 1201 of the TRPM4 protein (p.Pro1201Ala). This variant is present in population databases (no rsID available, gnomAD 0.007%). This variant has not been reported in the literature in individuals affected with TRPM4-related conditions. An algorithm developed to predict the effect of missense changes on protein structure and function (PolyPhen-2) suggests that this variant is likely to be disruptive. In summary, the available evidence is currently insufficient to determine the role of this variant in disease. Therefore, it has been classified as a Variant of Uncertain Significance.